The following is an entry in ClinVar:

ClinVar aggregate classification (germline): Pathogenic/Likely pathogenic. Review status: criteria provided, multiple submitters, no conflicts (2 of 4 stars). 2 submissions from 2 submitters: Pathogenic (1); Likely pathogenic (1). Last evaluated 2025-09-03.

Conditions:
Primary ciliary dyskinesia 32. Also called: CILIARY DYSKINESIA, PRIMARY, 32, WITHOUT SITUS INVERSUS. Identifiers: Orphanet 244, MedGen C4225311, MONDO:0014657, OMIM 616481.

Allele frequency attached by ClinVar (database versions not stated): gnomAD 0.00003; ExAC 0.00002; TOPMed 0.00004.
gnomAD v4.1: 24 of 1,610,996 alleles (0.0015%); highest among the groups gnomAD compares: Non-Finnish European, 0.002%; no homozygotes.

Submissions (3):

Labcorp Genetics (formerly Invitae), Labcorp
Classification: Pathogenic for Primary ciliary dyskinesia 32. Last evaluated: 2025-09-03. Review status: criteria provided, single submitter. Criteria: Invitae Variant Classification Sherloc (09022015). Collection method: clinical testing. Allele origin: germline.
Comment: This sequence change affects a donor splice site in intron 6 of the RSPH3 gene. It is expected to disrupt RNA splicing. Variants that disrupt the donor or acceptor splice site typically lead to a loss of protein function (PMID: 16199547), and loss-of-function variants in RSPH3 are known to be pathogenic (PMID: 26073779). This variant is present in population databases (rs758891825, gnomAD 0.004%). Disruption of this splice site has been observed in individual(s) with primary ciliary dyskinesia (internal data). ClinVar contains an entry for this variant (Variation ID: 2980542). Algorithms developed to predict the effect of sequence changes on RNA splicing suggest that this variant may disrupt the consensus splice site. For these reasons, this variant has been classified as Pathogenic.

Department of Pathology and Laboratory Medicine, Sinai Health System
Classification: Likely pathogenic for Primary ciliary dyskinesia 32. Last evaluated: 2023-02-05. Review status: criteria provided, single submitter. Criteria: ACMG Guidelines, 2015. Collection method: research. Allele origin: germline.

Dr. Peter K. Rogan Lab, Western University
No classification provided (evidence only). Condition: Colon adenocarcinoma. Review status: no classification provided. Collection method: in vitro. Allele origin: not applicable. Functional consequence: retained intron. Not counted in ClinVar's aggregate classification.

Literature cited by the submitters: PubMed 16199547 (cited by Labcorp Genetics (formerly Invitae), Labcorp); PubMed 26073779 (cited by Labcorp Genetics (formerly Invitae), Labcorp).

NM_031924.8(RSPH3):c.859+1G>T

Gene: RSPH3 (radial spoke head 3; minus strand). Cytogenetic location: 6q25.3.
Variant type: single nucleotide variant.
Coding change: c.859+1G>T on transcript NM_031924.8 (MANE Select); the canonical splice donor site of the intron after coding-DNA position 859, G replaced by T.
Molecular consequence: splice donor variant.
Genome position (GRCh38, 1-based): chr6:158,980,773, C>A on the plus strand (G>T on the coding strand, the complement: RSPH3 is on the minus strand). VCF-style: chr6-158980773-C-A. GRCh37 (hg19) VCF-style: chr6-159401805-C-A.
Other names: c.997+1G>T (NM_001346418.1).
Identifiers: ClinVar variation 2980542 (VCV002980542.5), dbSNP rs758891825, ClinGen allele CA4075797.